The following is an entry in ClinVar:

ClinVar aggregate classification (germline): Pathogenic (1 of 4 stars; one submission).

Conditions:
Familial cancer of breast. Also called: hereditary breast carcinoma; Hereditary breast cancer; BREAST CANCER, FAMILIAL. Identifiers: Orphanet 227535, MedGen C0346153, MONDO:0016419, OMIM 114480. Disease mechanism: loss of function.

Submission:

Labcorp Genetics (formerly Invitae), Labcorp
Classification: Pathogenic for Familial cancer of breast. Last evaluated: 2022-01-01. Review status: criteria provided, single submitter. Criteria: Invitae Variant Classification Sherloc (09022015). Collection method: clinical testing. Allele origin: germline.
Comment: This variant is not present in population databases (gnomAD no frequency). This sequence change creates a premature translational stop signal (p.Lys517*) in the PALB2 gene. It is expected to result in an absent or disrupted protein product. Loss-of-function variants in PALB2 are known to be pathogenic (PMID: 17200668, 17200671, 17200672, 24136930, 25099575). This variant has not been reported in the literature in individuals affected with PALB2-related conditions. For these reasons, this variant has been classified as Pathogenic.

Literature cited by the submitters: PubMed 17200668; PubMed 17200671; PubMed 17200672; PubMed 24136930; PubMed 25099575.

NM_024675.4(PALB2):c.1549A>T (p.Lys517Ter)

Gene: PALB2 (partner and localizer of BRCA2; minus strand). Cytogenetic location: 16p12.2.
Variant type: single nucleotide variant.
Coding change: c.1549A>T on transcript NM_024675.4 (MANE Select); coding-DNA position 1549, A replaced by T.
Protein change: p.Lys517Ter; replaces lysine 517 with a stop codon.
Molecular consequence: nonsense.
Genome position (GRCh38, 1-based): chr16:23,634,997, T>A on the plus strand (A>T on the coding strand, the complement: PALB2 is on the minus strand). VCF-style: chr16-23634997-T-A. GRCh37 (hg19) VCF-style: chr16-23646318-T-A.
Other names: c.1489A>T, p.Lys497Ter (NM_001407296.1); c.1549A>T, p.Lys517Ter (NM_001407297.1, NM_001407298.1, NM_001407299.1 and 3 more transcripts); c.664A>T, p.Lys222Ter (NM_001407304.1, NM_001407305.1, NM_001407306.1 and 5 more transcripts); short protein forms K222*, K517*, K497*.
Identifiers: ClinVar variation 2068264 (VCV002068264.4), dbSNP rs2506473795, ClinGen allele CA395130831.